The following is an entry in ClinVar:

NM_152906.7(TANGO2):c.702C>T (p.Tyr234=)

Gene: TANGO2 (transport and golgi organization 2 homolog; plus strand). Cytogenetic location: 22q11.21.
Variant type: single nucleotide variant.
Coding change: c.702C>T on transcript NM_152906.7 (MANE Select); coding-DNA position 702, C replaced by T.
Protein change: p.Tyr234=; no amino-acid change (tyrosine 234 retained).
Molecular consequence: synonymous variant. On other transcripts: missense variant (5), 3 prime UTR variant (1), non-coding transcript variant (5), intron variant (1).
Genome position (GRCh38, 1-based): chr22:20,063,434, C>T. VCF-style: chr22-20063434-C-T. GRCh37 (hg19) VCF-style: chr22-20050957-C-T.
Other names: p.Tyr234=; c.702C>T, p.Tyr234= (NM_001283106.3, NM_001283116.3, NM_001322142.2); c.825C>T, p.Tyr275= (NM_001283129.3, NM_001322141.2, NM_001322143.2); c.700C>T, p.Arg234Trp (NM_001283148.3, NM_001283154.3); c.516C>T, p.Tyr172= (NM_001283179.3, NM_001283186.3, NM_001322163.2 and 2 more transcripts); c.477C>T, p.Tyr159= (NM_001283199.3); c.408C>T, p.Tyr136= (NM_001283235.3, NM_001322150.2, NM_001322153.2 and 6 more transcripts); c.*38C>T (NM_001283248.3); and 6 more; short protein forms R172W, R200W, R234W, R275W.
Identifiers: ClinVar variation 1296496 (VCV001296496.13), dbSNP rs73389745, ClinGen allele CA10106534.

ClinVar aggregate classification (germline): Benign. Review status: criteria provided, multiple submitters, no conflicts (2 of 4 stars). 5 submissions from 5 submitters: Benign (5). Last evaluated 2026-02-03.

Allele frequency attached by ClinVar (database versions not stated): gnomAD exomes 0.00353 and 0.00909; ExAC 0.01172; 1000 Genomes Project 30x 0.03170; 1000 Genomes Project 0.03195; gnomAD 0.03232 and 0.03483; TOPMed 0.03694; ESP Exome Variant Server 0.03798.
gnomAD v4.1: 10,333 of 1,612,272 alleles (0.64%); highest among the groups gnomAD compares: African/African-American, 11%; 482 homozygotes.

Submissions (5):

Labcorp Genetics (formerly Invitae), Labcorp
Classification: Benign. Last evaluated: 2026-02-03. Review status: criteria provided, single submitter. Criteria: Invitae Variant Classification Sherloc (09022015). Collection method: clinical testing. Allele origin: germline.

Mayo Clinic Laboratories, Mayo Clinic
Classification: Benign. Last evaluated: 2022-03-24. Review status: criteria provided, single submitter. Criteria: ACMG Guidelines, 2015. Collection method: clinical testing. Allele origin: germline. Observed: 19 variant alleles.

Laboratorio de Genetica e Diagnostico Molecular, Hospital Israelita Albert Einstein
Classification: Benign. Last evaluated: 2020-12-07. Review status: criteria provided, single submitter. Criteria: ACMG Guidelines, 2015. Collection method: clinical testing. Allele origin: germline. Affected: yes.
Comment: ACMG classification criteria: BS1, BS2

GeneDx
Classification: Benign. Last evaluated: 2018-07-07. Review status: criteria provided, single submitter. Criteria: GeneDx Variant Classification Process June 2021. Collection method: clinical testing. Allele origin: germline. Affected: yes.

Breakthrough Genomics
Classification: Benign. Review status: criteria provided, single submitter. Criteria: ACMG Guidelines, 2015. Collection method: not provided. Allele origin: germline. Inheritance: Autosomal recessive inheritance. Affected: yes.